The following is an entry in ClinVar:

NM_017780.4(CHD7):c.4995G>A (p.Trp1665Ter)

Gene: CHD7 (chromodomain helicase DNA binding protein 7; plus strand). Cytogenetic location: 8q12.2.
Variant type: single nucleotide variant.
Coding change: c.4995G>A on transcript NM_017780.4 (MANE Select); coding-DNA position 4995, G replaced by A.
Protein change: p.Trp1665Ter; replaces tryptophan 1665 with a stop codon.
Molecular consequence: nonsense. On other transcripts: intron variant (1).
Genome position (GRCh38, 1-based): chr8:60,845,008, G>A. VCF-style: chr8-60845008-G-A. GRCh37 (hg19) VCF-style: chr8-61757567-G-A.
Other names: c.1717-17221G>A (NM_001316690.1); short protein forms W1665*.
Identifiers: ClinVar variation 1705344 (VCV001705344.1), dbSNP rs1487550618, ClinGen allele CA371320053.

ClinVar aggregate classification (germline): Likely pathogenic (1 of 4 stars; one submission).

Conditions:
CHARGE syndrome (CHARGE). Also called: Coloboma, heart anomaly, choanal atresia, retardation, genital and ear anomalies; CHARGE association; Hall-Hittner syndrome; Hittner Hirsch Kreh syndrome; CHARGE ASSOCIATION--COLOBOMA, HEART ANOMALY, CHOANAL ATRESIA, RETARDATION, GENITAL AND EAR ANOMALIES. Identifiers: Orphanet 138, MedGen C0265354, MONDO:0008965.

Submission:

3billion
Classification: Likely pathogenic for CHD7-related CHARGE syndrome. Last evaluated: 2022-09-01. Review status: criteria provided, single submitter. Criteria: ACMG Guidelines, 2015. Collection method: clinical testing. Allele origin: germline. Affected: yes. Observed: 1 heterozygote.
Comment: The variant is not observed in the gnomAD v2.1.1 dataset. Stop-gained (nonsense) is predicted to result in a loss or disruption of normal protein function through nonsense-mediated decay (NMD) or protein truncation. Multiple pathogenic variants are reported downstream of the variant. Therefore, this variant is classified as Likely pathogenic according to the recommendation of ACMG/AMP guideline.